The following is an entry in ClinVar:

NM_001365999.1(SZT2):c.9700G>A (p.Glu3234Lys)

Genes: SZT2 (SZT2 subunit of KICSTOR complex; plus strand), SZT2-AS1 (SZT2 antisense RNA 1; minus strand). Cytogenetic location: 1p34.2.
Variant type: single nucleotide variant.
Coding change: c.9700G>A on transcript NM_001365999.1 (MANE Select); coding-DNA position 9700, G replaced by A.
Protein change: p.Glu3234Lys; replaces glutamic acid 3234 with lysine.
Molecular consequence: missense variant. On other transcripts: non-coding transcript variant (1).
Genome position (GRCh38, 1-based): chr1:43,448,215, G>A. VCF-style: chr1-43448215-G-A. GRCh37 (hg19) VCF-style: chr1-43913886-G-A.
Other names: c.9529G>A, p.Glu3177Lys (NM_015284.4); c.1141G>A, p.Glu381Lys (NM_024547.1); short protein forms E3177K, E3234K, E381K.
Identifiers: ClinVar variation 1897452 (VCV001897452.5), dbSNP rs1276748561, ClinGen allele CA340044201.

ClinVar aggregate classification (germline): Uncertain significance (1 of 4 stars; one submission).

Allele frequency attached by ClinVar (database versions not stated): gnomAD exomes below 0.00001.
gnomAD v4.1: 1 of 1,608,162 alleles (0.000062%); highest among the groups gnomAD compares: Non-Finnish European, 0.000085%; no homozygotes.

Submission:

Labcorp Genetics (formerly Invitae), Labcorp
Classification: Uncertain significance. Last evaluated: 2023-07-13. Review status: criteria provided, single submitter. Criteria: Invitae Variant Classification Sherloc (09022015). Collection method: clinical testing. Allele origin: germline.
Comment: In summary, the available evidence is currently insufficient to determine the role of this variant in disease. Therefore, it has been classified as a Variant of Uncertain Significance. Advanced modeling of protein sequence and biophysical properties (such as structural, functional, and spatial information, amino acid conservation, physicochemical variation, residue mobility, and thermodynamic stability) performed at Invitae indicates that this missense variant is not expected to disrupt SZT2 protein function. ClinVar contains an entry for this variant (Variation ID: 1897452). This variant has not been reported in the literature in individuals affected with SZT2-related conditions. This variant is present in population databases (no rsID available, gnomAD 0.001%). This sequence change replaces glutamic acid, which is acidic and polar, with lysine, which is basic and polar, at codon 3177 of the SZT2 protein (p.Glu3177Lys).